The following is an entry in ClinVar:

NM_002485.5(NBN):c.1583T>A (p.Leu528Ter)

Gene: NBN (nibrin; minus strand). Cytogenetic location: 8q21.3.
Variant type: single nucleotide variant.
Coding change: c.1583T>A on transcript NM_002485.5 (MANE Select); coding-DNA position 1583, T replaced by A.
Protein change: p.Leu528Ter; replaces leucine 528 with a stop codon.
Molecular consequence: nonsense.
Genome position (GRCh38, 1-based): chr8:89,953,506, A>T on the plus strand (T>A on the coding strand, the complement: NBN is on the minus strand). VCF-style: chr8-89953506-A-T. GRCh37 (hg19) VCF-style: chr8-90965734-A-T.
Other names: c.1337T>A, p.Leu446Ter (NM_001024688.3); short protein forms L528*, L446*.
Identifiers: ClinVar variation 2110659 (VCV002110659.4), dbSNP rs2129700612, ClinGen allele CA371655544.

ClinVar aggregate classification (germline): Pathogenic (1 of 4 stars; one submission).

Conditions:
Microcephaly, normal intelligence and immunodeficiency (NBS). Also called: IMMUNODEFICIENCY, MICROCEPHALY, AND CHROMOSOMAL INSTABILITY; Immunodeficiency, microcephaly with normal intelligence; BERLIN BREAKAGE SYNDROME; SEEMANOVA SYNDROME II; Ataxia telangiectasia variant V1; Nijmegen breakage syndrome. Identifiers: Orphanet 647, MedGen C0398791, MONDO:0009623, OMIM 251260.

Submission:

Labcorp Genetics (formerly Invitae), Labcorp
Classification: Pathogenic for Microcephaly, normal intelligence and immunodeficiency. Last evaluated: 2022-03-13. Review status: criteria provided, single submitter. Criteria: Invitae Variant Classification Sherloc (09022015). Collection method: clinical testing. Allele origin: germline.
Comment: For these reasons, this variant has been classified as Pathogenic. This variant has not been reported in the literature in individuals affected with NBN-related conditions. This variant is not present in population databases (gnomAD no frequency). This sequence change creates a premature translational stop signal (p.Leu528*) in the NBN gene. It is expected to result in an absent or disrupted protein product. Loss-of-function variants in NBN are known to be pathogenic (PMID: 9590180, 16415040).

Literature cited by the submitters: PubMed 9590180; PubMed 16415040.